The following is an entry in ClinVar:

NM_002485.5(NBN):c.1751A>C (p.Glu584Ala)

Gene: NBN (nibrin; minus strand). Cytogenetic location: 8q21.3.
Variant type: single nucleotide variant.
Coding change: c.1751A>C on transcript NM_002485.5 (MANE Select); coding-DNA position 1751, A replaced by C.
Protein change: p.Glu584Ala; replaces glutamic acid 584 with alanine.
Molecular consequence: missense variant.
Genome position (GRCh38, 1-based): chr8:89,953,338, T>G on the plus strand (A>C on the coding strand, the complement: NBN is on the minus strand). VCF-style: chr8-89953338-T-G. GRCh37 (hg19) VCF-style: chr8-90965566-T-G.
Other names: c.1505A>C, p.Glu502Ala (NM_001024688.3, NM_001440379.1, NM_001440380.1); short protein forms E502A, E584A.
Identifiers: ClinVar variation 4729826 (VCV004729826.1).
Genomic context (GRCh38, chr8:89,953,338, plus strand): 5'-CTGAAAGTGTCATTTGTTTCTATATCCATCCTTGGCCTTTTTCTAACATTGACATCTTCC[T>G]CCTGTTTTTGAACTTTCACATCAATTTCTAACTCTGGTTTTGTGTCCTTGAATAACTGTT-3'
Protein context (NP_002476.2, residues 574-594): LEIDVKVQKQ[Glu584Ala]EDVNVRKRPR

ClinVar aggregate classification (germline): Uncertain significance (1 of 4 stars; one submission).

Conditions:
Microcephaly, normal intelligence and immunodeficiency (NBS). Also called: SEEMANOVA SYNDROME II; Nijmegen breakage syndrome; Microcephaly with normal intelligence immunodeficiency and lymphoreticular malignancies; Nonsyndromal microcephaly autosomal recessive with normal intelligence; Seemanova syndrome 2; IMMUNODEFICIENCY, MICROCEPHALY, AND CHROMOSOMAL INSTABILITY. Identifiers: Orphanet 647, MedGen C0398791, MONDO:0009623, OMIM 251260.

Submission:

Labcorp Genetics (formerly Invitae), Labcorp
Classification: Uncertain significance for Microcephaly, normal intelligence and immunodeficiency. Last evaluated: 2025-10-25. Review status: criteria provided, single submitter. Criteria: Invitae Variant Classification Sherloc (09022015). Collection method: clinical testing. Allele origin: germline.
Comment: This sequence change replaces glutamic acid, which is acidic and polar, with alanine, which is neutral and non-polar, at codon 584 of the NBN protein (p.Glu584Ala). This variant is not present in population databases (gnomAD no frequency). This variant has not been reported in the literature in individuals affected with NBN-related conditions. An algorithm developed to predict the effect of missense changes on protein structure and function (PolyPhen-2) suggests that this variant is likely to be tolerated. In summary, the available evidence is currently insufficient to determine the role of this variant in disease. Therefore, it has been classified as a Variant of Uncertain Significance.